The following is an entry in ClinVar:

ClinVar aggregate classification (germline): Uncertain significance. Review status: criteria provided, multiple submitters, no conflicts (2 of 4 stars). 2 submissions from 2 submitters: Uncertain significance (2). Last evaluated 2024-01-03.

Conditions:
Inborn genetic diseases. Identifiers: MedGen C0950123, MeSH D030342.

Allele frequency attached by ClinVar (database versions not stated): gnomAD exomes below 0.00001; ExAC 0.00001; gnomAD 0.00002; TOPMed 0.00005.
gnomAD v4.1: 9 of 1,613,988 alleles (0.00056%); highest among the groups gnomAD compares: African/African-American, 0.0067%; no homozygotes.

Submissions (2):

Ambry Genetics
Classification: Uncertain significance for Inborn genetic diseases. Last evaluated: 2024-01-03. Review status: criteria provided, single submitter. Criteria: Ambry Variant Classification Scheme 2023. Collection method: clinical testing. Allele origin: germline.

GeneDx
Classification: Uncertain significance. Last evaluated: 2022-08-30. Review status: criteria provided, single submitter. Criteria: GeneDx Variant Classification Process June 2021. Collection method: clinical testing. Allele origin: germline. Affected: yes.
Comment: Not observed at significant frequency in large population cohorts (gnomAD); In silico analysis supports that this missense variant has a deleterious effect on protein structure/function; Has not been previously published as pathogenic or benign to our knowledge

NM_005559.4(LAMA1):c.314A>G (p.His105Arg)

Gene: LAMA1 (laminin subunit alpha 1; minus strand). Cytogenetic location: 18p11.31.
Variant type: single nucleotide variant.
Coding change: c.314A>G on transcript NM_005559.4 (MANE Select); coding-DNA position 314, A replaced by G.
Protein change: p.His105Arg; replaces histidine 105 with arginine.
Molecular consequence: missense variant.
Genome position (GRCh38, 1-based): chr18:7,080,006, T>C on the plus strand (A>G on the coding strand, the complement: LAMA1 is on the minus strand). VCF-style: chr18-7080006-T-C. GRCh37 (hg19) VCF-style: chr18-7080005-T-C.
Other names: short protein forms H105R.
Identifiers: ClinVar variation 2442706 (VCV002442706.2), dbSNP rs761525131, ClinGen allele CA8883346.